The following is an entry in ClinVar:

ClinVar aggregate classification (germline): Likely benign. Review status: criteria provided, multiple submitters, no conflicts (2 of 4 stars). 3 submissions from 3 submitters: Likely benign (2). 1 of the submissions does not count toward it. Last evaluated 2025-10-05.

Conditions:
Autosomal recessive mendelian susceptibility to mycobacterial diseases due to complete RORgamma receptor deficiency. Also called: Immunodeficiency 42. Identifiers: Orphanet 477857, MedGen C5567647, MONDO:0014710, OMIM 616622.
RORC-related disorder. Also called: RORC-related condition.

Allele frequency attached by ClinVar (database versions not stated): ESP Exome Variant Server 0.00008; gnomAD 0.00013; TOPMed 0.00014; 1000 Genomes Project 30x 0.00016; 1000 Genomes Project 0.00020.
gnomAD v4.1: 104 of 1,614,146 alleles (0.0064%); highest among the groups gnomAD compares: Admixed American, 0.01%; no homozygotes.

Submissions (3):

Labcorp Genetics (formerly Invitae), Labcorp
Classification: Likely benign for Autosomal recessive mendelian susceptibility to mycobacterial diseases due to complete RORgamma receptor deficiency. Last evaluated: 2025-10-05. Review status: criteria provided, single submitter. Criteria: Invitae Variant Classification Sherloc (09022015). Collection method: clinical testing. Allele origin: germline.

Blueprint Genetics
Classification: Likely benign. Last evaluated: 2024-09-12. Review status: criteria provided, single submitter. Criteria: ACMG Guidelines, 2015. Collection method: clinical testing. Allele origin: germline.

PreventionGenetics, part of Exact Sciences
Classification: Likely benign for RORC-related condition. Last evaluated: 2022-05-17. Review status: no assertion criteria provided. Collection method: clinical testing. Allele origin: germline. Not counted in ClinVar's aggregate classification.
Comment: This variant is classified as likely benign based on ACMG/AMP sequence variant interpretation guidelines (Richards et al. 2015 PMID: 25741868, with internal and published modifications).

NM_005060.4(RORC):c.622C>A (p.Arg208=)

Gene: RORC (RAR related orphan receptor C; minus strand). Cytogenetic location: 1q21.3.
Variant type: single nucleotide variant.
Coding change: c.622C>A on transcript NM_005060.4 (MANE Select); coding-DNA position 622, C replaced by A.
Protein change: p.Arg208=; no amino-acid change (arginine 208 retained).
Molecular consequence: synonymous variant.
Genome position (GRCh38, 1-based): chr1:151,815,102, G>T on the plus strand (C>A on the coding strand, the complement: RORC is on the minus strand). VCF-style: chr1-151815102-G-T. GRCh37 (hg19) VCF-style: chr1-151787578-G-T.
Other names: c.559C>A, p.Arg187= (NM_001001523.2).
Identifiers: ClinVar variation 710305 (VCV000710305.14), dbSNP rs187005517, ClinGen allele CA1095887.